The following is an entry in ClinVar:

NM_001142864.4(PIEZO1):c.972C>T (p.Tyr324=)

Genes: HSALR1 (HSP90AB1 associated lncRNA 1; plus strand), PIEZO1 (piezo type mechanosensitive ion channel component 1 (Er blood group); minus strand). Cytogenetic location: 16q24.3.
Variant type: single nucleotide variant.
Coding change: c.972C>T on transcript NM_001142864.4 (MANE Select); coding-DNA position 972, C replaced by T.
Protein change: p.Tyr324=; no amino-acid change (tyrosine 324 retained).
Molecular consequence: synonymous variant. On other transcripts: non-coding transcript variant (1).
Genome position (GRCh38, 1-based): chr16:88,737,982, G>A on the plus strand (C>T on the coding strand, the complement: PIEZO1 is on the minus strand). VCF-style: chr16-88737982-G-A. GRCh37 (hg19) VCF-style: chr16-88804390-G-A.
Identifiers: ClinVar variation 3048811 (VCV003048811.4), dbSNP rs374283466, ClinGen allele CA8233157.

ClinVar aggregate classification (germline): Benign. Review status: criteria provided, single submitter (1 of 4 stars). 2 submissions from 2 submitters: Benign (1). 1 of the submissions does not count toward it. Last evaluated 2025-10-03.

Conditions:
PIEZO1-related disorder. Also called: PIEZO1-Related Disorders; PIEZO1-related condition.

Allele frequency attached by ClinVar (database versions not stated): gnomAD exomes 0.00006; gnomAD 0.00009; ESP Exome Variant Server 0.00022; TOPMed 0.00008; ExAC 0.00019.
gnomAD v4.1: 103 of 1,534,728 alleles (0.0067%); highest among the groups gnomAD compares: Admixed American, 0.0079%; no homozygotes.

Submissions (2):

Labcorp Genetics (formerly Invitae), Labcorp
Classification: Benign. Last evaluated: 2025-10-03. Review status: criteria provided, single submitter. Criteria: Invitae Variant Classification Sherloc (09022015). Collection method: clinical testing. Allele origin: germline.

PreventionGenetics, part of Exact Sciences
Classification: Likely benign for PIEZO1-related condition. Last evaluated: 2023-04-04. Review status: no assertion criteria provided. Collection method: clinical testing. Allele origin: germline. Not counted in ClinVar's aggregate classification.
Comment: This variant is classified as likely benign based on ACMG/AMP sequence variant interpretation guidelines (Richards et al. 2015 PMID: 25741868, with internal and published modifications).